The following is an entry in ClinVar:

NM_000834.5(GRIN2B):c.1168G>T (p.Val390Leu)

Gene: GRIN2B (glutamate ionotropic receptor NMDA type subunit 2B; minus strand). Cytogenetic location: 12p13.1.
Variant type: single nucleotide variant.
Coding change: c.1168G>T on transcript NM_000834.5 (MANE Select); coding-DNA position 1168, G replaced by T.
Protein change: p.Val390Leu; replaces valine 390 with leucine.
Molecular consequence: missense variant.
Genome position (GRCh38, 1-based): chr12:13,616,615, C>A on the plus strand (G>T on the coding strand, the complement: GRIN2B is on the minus strand). VCF-style: chr12-13616615-C-A. GRCh37 (hg19) VCF-style: chr12-13769549-C-A.
Other names: c.1168G>T, p.Val390Leu (NM_001413992.1); short protein forms V390L.
Identifiers: ClinVar variation 3373463 (VCV003373463.1).

ClinVar aggregate classification (germline): Uncertain significance (1 of 4 stars; one submission).

Submission:

GeneDx
Classification: Uncertain significance. Last evaluated: 2024-02-28. Review status: criteria provided, single submitter. Criteria: GeneDx Variant Classification Process June 2021. Collection method: clinical testing. Allele origin: germline. Affected: yes.
Comment: Not observed at significant frequency in large population cohorts (gnomAD); In silico analysis supports that this missense variant has a deleterious effect on protein structure/function; Has not been previously published as pathogenic or benign to our knowledge